The following is an entry in ClinVar:

ClinVar aggregate classification (germline): Uncertain significance (1 of 4 stars; one submission).

gnomAD v4.1: 4 of 1,614,062 alleles (0.00025%); highest among the groups gnomAD compares: South Asian, 0.0044%; no homozygotes.

Submission:

Labcorp Genetics (formerly Invitae), Labcorp
Classification: Uncertain significance. Last evaluated: 2024-12-26. Review status: criteria provided, single submitter. Criteria: Invitae Variant Classification Sherloc (09022015). Collection method: clinical testing. Allele origin: germline.
Comment: This sequence change replaces valine, which is neutral and non-polar, with methionine, which is neutral and non-polar, at codon 930 of the ALPK3 protein (p.Val930Met). This variant is present in population databases (no rsID available, gnomAD 0.003%). This variant has not been reported in the literature in individuals affected with ALPK3-related conditions. Invitae Evidence Modeling of protein sequence and biophysical properties (such as structural, functional, and spatial information, amino acid conservation, physicochemical variation, residue mobility, and thermodynamic stability) indicates that this missense variant is not expected to disrupt ALPK3 protein function with a negative predictive value of 80%. In summary, the available evidence is currently insufficient to determine the role of this variant in disease. Therefore, it has been classified as a Variant of Uncertain Significance.

NM_020778.5(ALPK3):c.2182G>A (p.Val728Met)

Gene: ALPK3 (alpha kinase 3; plus strand). Cytogenetic location: 15q25.3.
Variant type: single nucleotide variant.
Coding change: c.2182G>A on transcript NM_020778.5 (MANE Select); coding-DNA position 2182, G replaced by A.
Protein change: p.Val728Met; replaces valine 728 with methionine.
Molecular consequence: missense variant.
Genome position (GRCh38, 1-based): chr15:84,856,920, G>A. VCF-style: chr15-84856920-G-A. GRCh37 (hg19) VCF-style: chr15-85400151-G-A.
Other names: short protein forms V728M.
Identifiers: ClinVar variation 3675275 (VCV003675275.2).